The following is an entry in ClinVar:

NM_001031834.1(RAB40AL):c.504G>A (p.Thr168=)

Genes: LINC00630 (long independently transcribed non-coding RNA 630; plus strand), RAB40AL (RAB40A like; plus strand). Cytogenetic location: Xq22.1.
Variant type: single nucleotide variant.
Coding change: c.504G>A on transcript NM_001031834.1 (MANE Select); coding-DNA position 504, G replaced by A.
Protein change: p.Thr168=; no amino-acid change (threonine 168 retained).
Molecular consequence: synonymous variant.
Genome position (GRCh38, 1-based): chrX:102,937,822, G>A. VCF-style: chrX-102937822-G-A. GRCh37 (hg19) VCF-style: chrX-102192750-G-A.
Identifiers: ClinVar variation 2661088 (VCV002661088.24), dbSNP rs1393676698, ClinGen allele CA518087874.

ClinVar aggregate classification (germline): Likely benign (1 of 4 stars; one submission).

Allele frequency attached by ClinVar (database versions not stated): TOPMed 0.00005; gnomAD exomes 0.00006.

Submission:

CeGaT Center for Human Genetics Tuebingen
Classification: Likely benign. Last evaluated: 2022-07-01. Review status: criteria provided, single submitter. Criteria: CeGaT Center For Human Genetics Tuebingen Variant Classification Criteria Version 2. Collection method: clinical testing. Allele origin: germline. Affected: yes. Observed: 1 variant allele.
Comment: RAB40AL: PM2:Supporting, BP4, BP7